The following is an entry in ClinVar:

ClinVar aggregate classification (germline): Uncertain significance (0 of 4 stars; one submission).

Conditions:
PROS1-related disorder. Also called: PROS1-related condition.

Submission:

PreventionGenetics, part of Exact Sciences
Classification: Uncertain significance for PROS1-related condition. Last evaluated: 2024-08-26. Review status: no assertion criteria provided. Collection method: clinical testing. Allele origin: germline.
Comment: The PROS1 c.361T>C variant is predicted to result in the amino acid substitution p.Cys121Arg. To our knowledge, this variant has not been reported in the literature or in a large population database, indicating this variant is rare. At this time, the clinical significance of this variant is uncertain due to the absence of conclusive functional and genetic evidence.

NM_000313.4(PROS1):c.361T>C (p.Cys121Arg)

Gene: PROS1 (protein S; minus strand). Cytogenetic location: 3q11.1.
Variant type: single nucleotide variant.
Coding change: c.361T>C on transcript NM_000313.4 (MANE Select); coding-DNA position 361, T replaced by C.
Protein change: p.Cys121Arg; replaces cysteine 121 with arginine.
Molecular consequence: missense variant.
Genome position (GRCh38, 1-based): chr3:93,906,129, A>G on the plus strand (T>C on the coding strand, the complement: PROS1 is on the minus strand). VCF-style: chr3-93906129-A-G. GRCh37 (hg19) VCF-style: chr3-93624973-A-G.
Other names: c.457T>C, p.Cys153Arg (NM_001314077.2); short protein forms C121R, C153R.
Identifiers: ClinVar variation 3347737 (VCV003347737.1).